The following is an entry in ClinVar:

ClinVar aggregate classification (germline): Pathogenic (1 of 4 stars; one submission).

Conditions:
Peroxisome biogenesis disorder. Identifiers: Orphanet 79189, MedGen C1832200, MONDO:0019234. Disease mechanism: loss of function.

Submission:

Labcorp Genetics (formerly Invitae), Labcorp
Classification: Pathogenic for Peroxisome biogenesis disorder. Last evaluated: 2023-04-14. Review status: criteria provided, single submitter. Criteria: Invitae Variant Classification Sherloc (09022015). Collection method: clinical testing. Allele origin: germline.
Comment: This sequence change creates a premature translational stop signal (p.Leu277Phefs*73) in the PEX6 gene. It is expected to result in an absent or disrupted protein product. Loss-of-function variants in PEX6 are known to be pathogenic (PMID: 8670792, 19877282, 21031596). This variant is not present in population databases (gnomAD no frequency). This variant has not been reported in the literature in individuals affected with PEX6-related conditions. For these reasons, this variant has been classified as Pathogenic.

Literature cited by the submitters: PubMed 8670792; PubMed 19877282; PubMed 21031596.

NM_000287.4(PEX6):c.831_834del (p.Leu277fs)

Gene: PEX6 (peroxisomal biogenesis factor 6; minus strand). Cytogenetic location: 6p21.1.
Variant type: Deletion.
Coding change: c.831_834del on transcript NM_000287.4 (MANE Select); coding-DNA positions 831 to 834, 4 bases deleted (GGCT; older notation c.831_834delGGCT).
Protein change: p.Leu277fs; shifts the reading frame from leucine 277.
Molecular consequence: frameshift variant. On other transcripts: non-coding transcript variant (1), intron variant (1).
Genome position (GRCh38, 1-based): chr6:42,978,317-42,978,320, AGCC deleted on the plus strand (GGCT on the coding strand, the reverse complement: PEX6 is on the minus strand); deleting any 4 consecutive bases within chr6:42,978,317-42,978,321 gives the same sequence; the c. name uses the placement nearest the transcript's 3' end. VCF-style (leftmost placement, unchanged base first): chr6-42978316-AAGCC-A. GRCh37 (hg19) VCF-style: chr6-42946054-AAGCC-A.
Other names: c.618+213_618+216del (NM_001316313.2); short protein forms L277fs.
Identifiers: ClinVar variation 2856199 (VCV002856199.3), dbSNP rs2481275322, ClinGen allele CA2739273017.